The following is an entry in ClinVar:

ClinVar aggregate classification (germline): Benign/Likely benign. Review status: criteria provided, multiple submitters, no conflicts (2 of 4 stars). 2 submissions from 2 submitters: Benign (1); Likely benign (1). Last evaluated 2019-05-28.

Conditions:
GRN-related frontotemporal lobar degeneration with Tdp43 inclusions (FTD2). Also called: DEMENTIA, HEREDITARY DYSPHASIC DISINHIBITION; FRONTOTEMPORAL LOBAR DEGENERATION WITH UBIQUITIN-POSITIVE INCLUSIONS; FTLD-TDP, GRN-RELATED; GRN Frontotemporal Dementia; FRONTOTEMPORAL DEMENTIA WITH TDP43 INCLUSIONS, GRN-RELATED. Identifiers: Orphanet 100070, Orphanet 282, MedGen C1843792, MONDO:0011842, OMIM 607485. Disease mechanism: loss of function.

Allele frequency attached by ClinVar (database versions not stated): gnomAD exomes 0.00108; gnomAD 0.00946 and 0.01005; TOPMed 0.01119; 1000 Genomes Project 0.01178; 1000 Genomes Project 30x 0.01327.
gnomAD v4.1: 1,895 of 566,004 alleles (0.33%); highest among the groups gnomAD compares: African/African-American, 3.3%; 26 homozygotes.

Submissions (2):

GeneDx
Classification: Likely benign. Last evaluated: 2019-05-28. Review status: criteria provided, single submitter. Criteria: GeneDx Variant Classification Process June 2021. Collection method: clinical testing. Allele origin: germline. Affected: yes.

Illumina Laboratory Services, Illumina
Classification: Benign for GRN-related frontotemporal lobar degeneration with Tdp43 inclusions. Last evaluated: 2018-01-12. Review status: criteria provided, single submitter. Criteria: ICSL Variant Classification Criteria 13 December 2019. Collection method: clinical testing. Allele origin: germline.
Comment: This variant was observed in the ICSL laboratory as part of a predisposition screen in an ostensibly healthy population. It had not been previously curated by ICSL or reported in the Human Gene Mutation Database (HGMD: prior to June 1st, 2018), and was therefore a candidate for classification through an automated scoring system. Utilizing variant allele frequency, disease prevalence and penetrance estimates, and inheritance mode, an automated score was calculated to assess if this variant is too frequent to cause the disease. Based on the score and internal cut-off values, a variant classified as benign is not then subjected to further curation. The score for this variant resulted in a classification of benign for this disease.

NM_002087.4(GRN):c.*280G>A

Gene: GRN (granulin precursor; plus strand). Cytogenetic location: 17q21.31.
Variant type: single nucleotide variant.
Coding change: c.*280G>A on transcript NM_002087.4 (MANE Select); 280 bases downstream of the stop codon, G replaced by A.
Molecular consequence: 3 prime UTR variant.
Genome position (GRCh38, 1-based): chr17:44,353,078, G>A. VCF-style: chr17-44353078-G-A. GRCh37 (hg19) VCF-style: chr17-42430446-G-A.
Identifiers: ClinVar variation 323539 (VCV000323539.7), dbSNP rs116547342, ClinGen allele CA10645815.